The following is an entry in ClinVar:

ClinVar aggregate classification (germline): Likely pathogenic (1 of 4 stars; one submission).

Conditions:
Lamellar ichthyosis. Identifiers: Orphanet 313, MedGen C5848247, MONDO:0017778.

Allele frequency attached by ClinVar (database versions not stated): TOPMed below 0.00001; ExAC 0.00001; gnomAD 0.00001; ESP Exome Variant Server 0.00008.
gnomAD v4.1: 3 of 1,610,706 alleles (0.00019%); highest among the groups gnomAD compares: Non-Finnish European, 0.00025%; no homozygotes.

Submission:

Women's Health and Genetics/Laboratory Corporation of America, LabCorp
Classification: Likely pathogenic for Lamellar ichthyosis. Last evaluated: 2023-03-15. Review status: criteria provided, single submitter. Criteria: LabCorp Variant Classification Summary - May 2015. Collection method: clinical testing. Allele origin: germline.
Comment: Variant summary: ALOXE3 c.1563-2A>G is located in a canonical splice-site and is predicted to affect mRNA splicing resulting in a significantly altered protein due to either exon skipping, shortening, or inclusion of intronic material. Several computational tools predict a significant impact on normal splicing: four predict the variant abolishes a 3' acceptor site, and creates/strengthens a cryptic exonic one. However, these predictions have yet to be confirmed by functional studies. The variant allele was found at a frequency of 4e-06 in 251316 control chromosomes. The available data on variant occurrences in the general population are insufficient to allow any conclusion about variant significance. To our knowledge, no occurrence of c.1563-2A>G in individuals affected with Lamellar Ichthyosis and no experimental evidence demonstrating its impact on protein function have been reported. No clinical diagnostic laboratories have submitted clinical-significance assessments for this variant to ClinVar after 2014. Based on the evidence outlined above, the variant was classified as likely pathogenic.

NM_021628.3(ALOXE3):c.1563-2A>G

Gene: ALOXE3 (arachidonate epidermal lipoxygenase 3; minus strand). Cytogenetic location: 17p13.1.
Variant type: single nucleotide variant.
Coding change: c.1563-2A>G on transcript NM_021628.3 (MANE Select); the canonical splice acceptor site of the intron before coding-DNA position 1563, A replaced by G.
Molecular consequence: splice acceptor variant.
Genome position (GRCh38, 1-based): chr17:8,108,591, T>C on the plus strand (A>G on the coding strand, the complement: ALOXE3 is on the minus strand). VCF-style: chr17-8108591-T-C. GRCh37 (hg19) VCF-style: chr17-8011909-T-C.
Other names: c.1959-2A>G (NM_001165960.1); c.1560-2A>G (NM_001369446.1).
Identifiers: ClinVar variation 2501242 (VCV002501242.1), dbSNP rs141115577, ClinGen allele CA8368032.